The following continues an entry in ClinVar:

NM_007294.4(BRCA1):c.68_69del (p.Glu23fs)

Gene: BRCA1. ClinVar aggregate classification (germline): Pathogenic. Pathogenic (1).

Submissions 91 to 97 of 97:

Clinical Genetics DNA and cytogenetics Diagnostics Lab, Erasmus MC, Erasmus Medical Center
Classification: Pathogenic. Review status: no assertion criteria provided. Collection method: clinical testing. Allele origin: germline. Affected: yes. Study: VKGL Data-share Consensus. Not counted in ClinVar's aggregate classification.

Clinical Genetics Laboratory, Department of Pathology, Netherlands Cancer Institute
Classification: Pathogenic. Review status: no assertion criteria provided. Collection method: clinical testing. Allele origin: germline. Affected: yes. Study: VKGL Data-share Consensus. Not counted in ClinVar's aggregate classification.

Department of Pathology and Laboratory Medicine, Sinai Health System
Classification: Pathogenic for Malignant tumor of breast. Review status: no assertion criteria provided. Collection method: clinical testing. Allele origin: unknown. Affected: yes. Observed: 28 variant alleles. Study: The Canadian Open Genetics Repository (COGR). Not counted in ClinVar's aggregate classification.
Comment: The p.Glu23ValfsX17 deletion variant is one of three known founder pathogenic mutations common to individuals of Ashkenazi Jewish descent (Petrucelli 1998). This deletion is predicted to cause a frameshift, which alters the protein's amino acid sequence beginning at codon 23 and leads to a premature stop codon 17 codons downstream. This alteration is then predicted to lead to a truncated or absent protein product and loss of function. Loss of function of the BRCA1 gene is an established disease mechanism in hereditary breast and ovarian cancer. In summary, based on the above information, this variant is classified as pathogenic.

Diagnostic Laboratory, Department of Genetics, University Medical Center Groningen
Classification: Pathogenic for Breast-ovarian cancer, familial, susceptibility to, 1. Review status: no assertion criteria provided. Collection method: clinical testing. Allele origin: germline. Affected: yes. Study: VKGL Data-share Consensus. Not counted in ClinVar's aggregate classification.

GeneReviews
No classification provided. Condition: Hereditary breast ovarian cancer syndrome. Review status: no classification provided. Collection method: literature only. Allele origin: germline. Not counted in ClinVar's aggregate classification.
Comment: Founder variant in Ashkenazi Jews; accounts for 72% of pathogenic variants in this population

Joint Genome Diagnostic Labs from Nijmegen and Maastricht, Radboudumc and MUMC+
Classification: Pathogenic. Review status: no assertion criteria provided. Collection method: clinical testing. Allele origin: germline. Affected: yes. Study: VKGL Data-share Consensus. Not counted in ClinVar's aggregate classification.

Kasturba Medical College, Manipal, Kasturba Medical College, Manipal, Manipal Academy of Higher Education, Manipal, India
Classification: Pathogenic for Breast and ovarian cancer. Review status: no assertion criteria provided. Collection method: clinical testing. Allele origin: unknown. Inheritance: Autosomal dominant inheritance. Affected: yes. Not counted in ClinVar's aggregate classification.

Literature cited by the submitters: PubMed 32546644 (cited by Hema, HEMA – Genetic and Molecular Diagnostic Laboratory and Institute for Genomic Medicine (IGM) Clinical Laboratory, Nationwide Children's Hospital); PubMed 7550349 (cited by 5 submitters); PubMed 10090881 (cited by Ambry Genetics); PubMed 10464624 (cited by Ambry Genetics and Quest Diagnostics Nichols Institute San Juan Capistrano); PubMed 15994883 (cited by 8 submitters); PubMed 23658460 (cited by 3 submitters); PubMed 24737347 (cited by 3 submitters); PubMed 26718727 (cited by Ambry Genetics and Quest Diagnostics Nichols Institute San Juan Capistrano); PubMed 27062684 (cited by Ambry Genetics and Quest Diagnostics Nichols Institute San Juan Capistrano); PubMed 27989354 (cited by Ambry Genetics and Quest Diagnostics Nichols Institute San Juan Capistrano); PubMed 28477318 (cited by Ambry Genetics and Quest Diagnostics Nichols Institute San Juan Capistrano); PubMed 28528518 (cited by Ambry Genetics and Quest Diagnostics Nichols Institute San Juan Capistrano); PubMed 28993434 (cited by Ambry Genetics and Quest Diagnostics Nichols Institute San Juan Capistrano); PubMed 29161300 (cited by Ambry Genetics and Quest Diagnostics Nichols Institute San Juan Capistrano); PubMed 29470806 (cited by Ambry Genetics and Quest Diagnostics Nichols Institute San Juan Capistrano); PubMed 29560538 (cited by Ambry Genetics and Quest Diagnostics Nichols Institute San Juan Capistrano); PubMed 29752822 (cited by Ambry Genetics and Quest Diagnostics Nichols Institute San Juan Capistrano); PubMed 30067863 (cited by Ambry Genetics and Quest Diagnostics Nichols Institute San Juan Capistrano); PubMed 30093976 (cited by Ambry Genetics and Quest Diagnostics Nichols Institute San Juan Capistrano); PubMed 30555256 (cited by Ambry Genetics); PubMed 30883245 (cited by Ambry Genetics); PubMed 31372034 (cited by Ambry Genetics and Quest Diagnostics Nichols Institute San Juan Capistrano); PubMed 33471991 (cited by 3 submitters); PubMed 20104584 (cited by 4 submitters); PubMed 9042909 (cited by 7 submitters); PubMed 22430266 (cited by 7 submitters); PubMed 8571953 (cited by 3 submitters); PubMed 8651293 (cited by 4 submitters); PubMed 9921907 (cited by Labcorp Genetics (formerly Invitae), Labcorp and Illumina Laboratory Services, Illumina); PubMed 11157798 (cited by Variantyx, Inc.); PubMed 7611277 (cited by 7 submitters); PubMed 23867111 (cited by 3 submitters); PubMed 26689913 (cited by Variantyx, Inc. and Quest Diagnostics Nichols Institute San Juan Capistrano); PubMed 8841191 (cited by Center for Genomic Medicine, Rigshospitalet, Copenhagen University Hospital and OMIM); PubMed 7837387 (cited by 3 submitters); PubMed 7894492 (cited by 5 submitters); PubMed 8531968 (cited by 3 submitters); PubMed 8533757 (cited by 3 submitters); PubMed 8642955 (cited by 3 submitters); PubMed 9145676 (cited by 5 submitters); PubMed 9150153 (cited by 3 submitters); PubMed 21643751 (cited by 3 submitters); PubMed 24312913 (cited by Color Diagnostics, LLC DBA Color Health and All of Us Research Program, National Institutes of Health); PubMed 30152102 (cited by 4 submitters); PubMed 30480775 (cited by Color Diagnostics, LLC DBA Color Health and All of Us Research Program, National Institutes of Health); PubMed 35020120 (cited by Color Diagnostics, LLC DBA Color Health and All of Us Research Program, National Institutes of Health); PubMed 10733239 (cited by Quest Diagnostics Nichols Institute San Juan Capistrano); PubMed 10885601 (cited by Quest Diagnostics Nichols Institute San Juan Capistrano); PubMed 11597388 (cited by Quest Diagnostics Nichols Institute San Juan Capistrano); PubMed 11802208 (cited by Quest Diagnostics Nichols Institute San Juan Capistrano); PubMed 12220453 (cited by Quest Diagnostics Nichols Institute San Juan Capistrano and OMIM); PubMed 12491828 (cited by Quest Diagnostics Nichols Institute San Juan Capistrano); PubMed 16030426 (cited by Quest Diagnostics Nichols Institute San Juan Capistrano); PubMed 22752604 (cited by Quest Diagnostics Nichols Institute San Juan Capistrano and New York Genome Center); PubMed 23633455 (cited by Quest Diagnostics Nichols Institute San Juan Capistrano and New York Genome Center); PubMed 26357657 (cited by Quest Diagnostics Nichols Institute San Juan Capistrano); PubMed 26440929 (cited by Quest Diagnostics Nichols Institute San Juan Capistrano); PubMed 26556299 (cited by Quest Diagnostics Nichols Institute San Juan Capistrano); PubMed 26641009 (cited by Quest Diagnostics Nichols Institute San Juan Capistrano); PubMed 26681312 (cited by Quest Diagnostics Nichols Institute San Juan Capistrano); PubMed 26822237 (cited by Quest Diagnostics Nichols Institute San Juan Capistrano); PubMed 27259235 (cited by Quest Diagnostics Nichols Institute San Juan Capistrano); PubMed 27553291 (cited by Quest Diagnostics Nichols Institute San Juan Capistrano); PubMed 27836010 (cited by Quest Diagnostics Nichols Institute San Juan Capistrano); PubMed 28049106 (cited by Quest Diagnostics Nichols Institute San Juan Capistrano); PubMed 28324225 (cited by Quest Diagnostics Nichols Institute San Juan Capistrano); PubMed 28390335 (cited by Quest Diagnostics Nichols Institute San Juan Capistrano); PubMed 29176636 (cited by Quest Diagnostics Nichols Institute San Juan Capistrano); PubMed 29321669 (cited by Quest Diagnostics Nichols Institute San Juan Capistrano); PubMed 29339979 (cited by Quest Diagnostics Nichols Institute San Juan Capistrano); PubMed 29431110 (cited by Quest Diagnostics Nichols Institute San Juan Capistrano); PubMed 29625052 (cited by Quest Diagnostics Nichols Institute San Juan Capistrano); PubMed 29907814 (cited by Quest Diagnostics Nichols Institute San Juan Capistrano); PubMed 30113427 (cited by Quest Diagnostics Nichols Institute San Juan Capistrano); PubMed 30122538 (cited by Quest Diagnostics Nichols Institute San Juan Capistrano); PubMed 30186769 (cited by Quest Diagnostics Nichols Institute San Juan Capistrano); PubMed 30322717 (cited by Quest Diagnostics Nichols Institute San Juan Capistrano); PubMed 30489631 (cited by Quest Diagnostics Nichols Institute San Juan Capistrano); PubMed 30630528 (cited by Quest Diagnostics Nichols Institute San Juan Capistrano); PubMed 30702160 (cited by Quest Diagnostics Nichols Institute San Juan Capistrano); PubMed 30720243 (cited by Quest Diagnostics Nichols Institute San Juan Capistrano); PubMed 30787465 (cited by Quest Diagnostics Nichols Institute San Juan Capistrano); PubMed 30875412 (cited by Quest Diagnostics Nichols Institute San Juan Capistrano); PubMed 31159747 (cited by Quest Diagnostics Nichols Institute San Juan Capistrano); PubMed 29446198 (cited by Quest Diagnostics Nichols Institute San Juan Capistrano and Sema4); PubMed 30430080 (cited by Quest Diagnostics Nichols Institute San Juan Capistrano); PubMed 14576434 (cited by 4 submitters); PubMed 23199084 (cited by Quest Diagnostics Nichols Institute San Juan Capistrano); PubMed 35710434 (cited by Quest Diagnostics Nichols Institute San Juan Capistrano); PubMed 35356428 (cited by Quest Diagnostics Nichols Institute San Juan Capistrano); PubMed 35264596 (cited by Quest Diagnostics Nichols Institute San Juan Capistrano); PubMed 35039532 (cited by Quest Diagnostics Nichols Institute San Juan Capistrano); PubMed 35459234 (cited by Quest Diagnostics Nichols Institute San Juan Capistrano); PubMed 33754277 (cited by Quest Diagnostics Nichols Institute San Juan Capistrano); PubMed 33758026 (cited by Quest Diagnostics Nichols Institute San Juan Capistrano); PubMed 35377489 (cited by Quest Diagnostics Nichols Institute San Juan Capistrano); PubMed 23788959 (cited by 4 submitters).